The following is an entry in ClinVar:

NM_001123385.2(BCOR):c.2008C>T (p.Pro670Ser)

Gene: BCOR (BCL6 corepressor; minus strand). Cytogenetic location: Xp11.4.
Variant type: single nucleotide variant.
Coding change: c.2008C>T on transcript NM_001123385.2 (MANE Select); coding-DNA position 2008, C replaced by T.
Protein change: p.Pro670Ser; replaces proline 670 with serine.
Molecular consequence: missense variant.
Genome position (GRCh38, 1-based): chrX:40,073,338, G>A on the plus strand (C>T on the coding strand, the complement: BCOR is on the minus strand). VCF-style: chrX-40073338-G-A. GRCh37 (hg19) VCF-style: chrX-39932591-G-A.
Other names: c.2008C>T, p.Pro670Ser (NM_001123383.2, NM_001123384.2, NM_017745.6); short protein forms P670S.
Identifiers: ClinVar variation 288898 (VCV000288898.9), dbSNP rs148886271, ClinGen allele CA10386845.
Genomic context (GRCh38, chrX:40,073,338, plus strand): 5'-TGCCATTGGGTAACAAAACTGGGTGAGGGTAGACAGGTCCTTTGCCATGTAAGGAGAGGG[G>A]ACTTACAGCAATGCCCTCAGGGGCTGGGTAAGGGAGGTAACTCCTGGGGTAGGGAATTGG-3'
Protein context (NP_001116857.1, residues 660-680): YPAPEGIAVS[Pro670Ser]LSLHGKGPVY

ClinVar aggregate classification (germline): Uncertain significance. Review status: criteria provided, multiple submitters, no conflicts (2 of 4 stars). 3 submissions from 3 submitters: Uncertain significance (3). Last evaluated 2023-12-09.

Conditions:
Oculofaciocardiodental syndrome (MCOPS2). Identifiers: Orphanet 2712, MedGen C1846265, MONDO:0010261, OMIM 300166.

Allele frequency attached by ClinVar (database versions not stated): ExAC 0.00003; gnomAD 0.00004; gnomAD exomes 0.00007; TOPMed 0.00008; ESP Exome Variant Server 0.00019.
gnomAD v4.1: 81 of 1,209,996 alleles (0.0067%); highest among the groups gnomAD compares: Non-Finnish European, 0.008%; no homozygotes.

Submissions (3):

Labcorp Genetics (formerly Invitae), Labcorp
Classification: Uncertain significance for Oculofaciocardiodental syndrome. Last evaluated: 2023-12-09. Review status: criteria provided, single submitter. Criteria: Invitae Variant Classification Sherloc (09022015). Collection method: clinical testing. Allele origin: germline.
Comment: This sequence change replaces proline, which is neutral and non-polar, with serine, which is neutral and polar, at codon 670 of the BCOR protein (p.Pro670Ser). This variant is present in population databases (rs148886271, gnomAD 0.01%). This variant has not been reported in the literature in individuals affected with BCOR-related conditions. ClinVar contains an entry for this variant (Variation ID: 288898). An algorithm developed to predict the effect of missense changes on protein structure and function (PolyPhen-2) suggests that this variant is likely to be tolerated. In summary, the available evidence is currently insufficient to determine the role of this variant in disease. Therefore, it has been classified as a Variant of Uncertain Significance.

GeneDx
Classification: Uncertain significance. Last evaluated: 2017-06-13. Review status: criteria provided, single submitter. Criteria: GeneDx Variant Classification (06012015). Collection method: clinical testing. Allele origin: germline. Affected: yes.
Comment: The P670S variant in the BCOR gene has not been reported previously as a pathogenic variant, nor as a benign variant, to our knowledge. The P670S variant is observed in 2/40256 (0.005%) alleles from individuals of European background, in the ExAC dataset (Lek et al., 2016). The P670S variant is a non-conservative amino acid substitution, which is likely to impact secondary protein structure as these residues differ in polarity, charge, size and/or other properties. This substitution occurs at a position that is conserved in mammals. In silico analysis is inconsistent in its predictions as to whether or not the variant is damaging to the protein structure/function. We interpret P670S as a variant of uncertain significance.

Eurofins Ntd Llc (ga)
Classification: Uncertain significance. Last evaluated: 2016-07-05. Review status: criteria provided, single submitter. Criteria: EGL Classification Definitions 2015. Collection method: clinical testing. Allele origin: germline. Observed: 1 variant allele, 1 hemizygote.